The following is an entry in ClinVar:

NM_001164665.2(KIAA1549):c.3008C>G (p.Ser1003Cys)

Gene: KIAA1549 (KIAA1549; minus strand). Cytogenetic location: 7q34.
Variant type: single nucleotide variant.
Coding change: c.3008C>G on transcript NM_001164665.2 (MANE Select); coding-DNA position 3008, C replaced by G.
Protein change: p.Ser1003Cys; replaces serine 1003 with cysteine.
Molecular consequence: missense variant.
Genome position (GRCh38, 1-based): chr7:138,911,283, G>C on the plus strand (C>G on the coding strand, the complement: KIAA1549 is on the minus strand). VCF-style: chr7-138911283-G-C. GRCh37 (hg19) VCF-style: chr7-138596029-G-C.
Other names: c.3008C>G, p.Ser1003Cys (NM_020910.3); short protein forms S1003C.
Identifiers: ClinVar variation 1716848 (VCV001716848.5), dbSNP rs1195528738, ClinGen allele CA369389273.

ClinVar aggregate classification (germline): Uncertain significance (1 of 4 stars; one submission).

Allele frequency attached by ClinVar (database versions not stated): gnomAD exomes below 0.00001.
gnomAD v4.1: 1 of 1,601,864 alleles (0.000062%); highest among the groups gnomAD compares: Admixed American, 0.0017%; no homozygotes.

Submission:

Labcorp Genetics (formerly Invitae), Labcorp
Classification: Uncertain significance. Last evaluated: 2024-01-22. Review status: criteria provided, single submitter. Criteria: Invitae Variant Classification Sherloc (09022015). Collection method: clinical testing. Allele origin: germline.
Comment: This sequence change replaces serine, which is neutral and polar, with cysteine, which is neutral and slightly polar, at codon 1003 of the KIAA1549 protein (p.Ser1003Cys). This variant is present in population databases (no rsID available, gnomAD 0.003%). This variant has not been reported in the literature in individuals affected with KIAA1549-related conditions. ClinVar contains an entry for this variant (Variation ID: 1716848). An algorithm developed to predict the effect of missense changes on protein structure and function (PolyPhen-2) suggests that this variant is likely to be disruptive. In summary, the available evidence is currently insufficient to determine the role of this variant in disease. Therefore, it has been classified as a Variant of Uncertain Significance.